The following is an entry in ClinVar:

ClinVar aggregate classification (germline): Uncertain significance (1 of 4 stars; one submission).

Submission:

Ambry Genetics
Classification: Uncertain significance. Last evaluated: 2023-01-18. Review status: criteria provided, single submitter. Criteria: Ambry Variant Classification Scheme 2023. Collection method: clinical testing. Allele origin: germline.
Comment: The p.I1214R variant (also known as c.3641T>G), located in coding exon 16 of the POLQ gene, results from a T to G substitution at nucleotide position 3641. The isoleucine at codon 1214 is replaced by arginine, an amino acid with similar properties. This amino acid position is conserved. In addition, this alteration is predicted to be tolerated by in silico analysis. Since supporting evidence is limited at this time, the clinical significance of this alteration remains unclear.

NM_199420.4(POLQ):c.3641T>G (p.Ile1214Arg)

Gene: POLQ (DNA polymerase theta; minus strand). Cytogenetic location: 3q13.33.
Variant type: single nucleotide variant.
Coding change: c.3641T>G on transcript NM_199420.4 (MANE Select); coding-DNA position 3641, T replaced by G.
Protein change: p.Ile1214Arg; replaces isoleucine 1214 with arginine.
Molecular consequence: missense variant.
Genome position (GRCh38, 1-based): chr3:121,489,290, A>C on the plus strand (T>G on the coding strand, the complement: POLQ is on the minus strand). VCF-style: chr3-121489290-A-C. GRCh37 (hg19) VCF-style: chr3-121208137-A-C.
Other names: short protein forms I1214R.
Identifiers: ClinVar variation 2448982 (VCV002448982.2), dbSNP rs2048042637, ClinGen allele CA354098445.
Genomic context (GRCh38, chr3:121,489,290, plus strand): 5'-GTAACATTTGAGTCTCTATTTATGTAACTACTGACTGCTTCACAGGGCATTTGTCTCTCT[A>C]TTATATTTTTCTGTTTGGTAATAGTGCTTGTCTGTTCATGAGATTGCTTTCGCAGGTACT-3'
Protein context (NP_955452.3, residues 1204-1224): TSTITKQKNI[Ile1214Arg]ERQMPCEAVS